The following is an entry in ClinVar:

NC_000023.10:g.(?_30322696)_(30327480_?)dup

Gene: NR0B1 (nuclear receptor subfamily 0 group B member 1; minus strand). Cytogenetic location: Xp21.2.
Variant type: Duplication.
Identifiers: ClinVar variation 3243899 (VCV003243899.1).

ClinVar aggregate classification (germline): Pathogenic (1 of 4 stars; one submission).

Conditions:
Congenital adrenal hypoplasia, X-linked (AHC). Also called: Isolated X-Linked Adrenal Hypoplasia Congenita; ADRENAL HYPOPLASIA, CONGENITAL, WITH HYPOGONADOTROPIC HYPOGONADISM; X-linked AHC; X-Linked Adrenal Hypoplasia Congenita. Identifiers: Orphanet 95702, MedGen C0342482, MONDO:0010264, OMIM 300200. Disease mechanism: loss of function.
46,XY sex reversal 2. Also called: 46,XY SEX REVERSAL, DAX1-RELATED; 46XY sex reversal 2, dosage-sensitive; NR0B1-Related 46,XY CGD; NR0B1-related 46,XY complete gonadal dysgenesis; Dosage-sensitive sex reversal. Identifiers: MedGen C1848296, MONDO:0010226, OMIM 300018.

Submission:

Labcorp Genetics (formerly Invitae), Labcorp
Classification: Pathogenic for Congenital adrenal hypoplasia, X-linked; 46,XY sex reversal 2. Last evaluated: 2023-09-27. Review status: criteria provided, single submitter. Criteria: Invitae Variant Classification Sherloc (09022015). Collection method: clinical testing. Allele origin: unknown.
Comment: A copy number gain of the genomic region encompassing the full coding sequence of the NR0B1 gene has been identified. The boundaries of this event are unknown as they extend beyond the assayed region for this gene and therefore may encompass additional genes. As the precise location of this event is unknown, it may be in tandem or it may be located elsewhere in the genome. A similar copy number variant has been observed in individuals with NR0B1-related conditions (PMID: 17504899, 20685758, 21408189, 26980296). For these reasons, this variant has been classified as Pathogenic.

Literature cited by the submitters: PubMed 17504899; PubMed 20685758; PubMed 21408189; PubMed 26980296.